The following is an entry in ClinVar:

NM_000075.4(CDK4):c.507G>A (p.Met169Ile)

Gene: CDK4 (cyclin dependent kinase 4; minus strand). Cytogenetic location: 12q14.1.
Variant type: single nucleotide variant.
Coding change: c.507G>A on transcript NM_000075.4 (MANE Select); coding-DNA position 507, G replaced by A.
Protein change: p.Met169Ile; replaces methionine 169 with isoleucine.
Molecular consequence: missense variant.
Genome position (GRCh38, 1-based): chr12:57,750,938, C>T on the plus strand (G>A on the coding strand, the complement: CDK4 is on the minus strand). VCF-style: chr12-57750938-C-T. GRCh37 (hg19) VCF-style: chr12-58144721-C-T.
Other names: short protein forms M169I.
Identifiers: ClinVar variation 4224567 (VCV004224567.1).

ClinVar aggregate classification (germline): Uncertain significance (1 of 4 stars; one submission).

Conditions:
Hereditary cancer-predisposing syndrome. Also called: Hereditary Cancer Syndrome; Hereditary neoplastic syndrome; Neoplastic Syndromes, Hereditary; Tumor predisposition. Identifiers: Orphanet 140162, MedGen C0027672, MeSH D009386, MONDO:0015356.

Submission:

Ambry Genetics
Classification: Uncertain significance for Hereditary cancer-predisposing syndrome. Last evaluated: 2025-06-23. Review status: criteria provided, single submitter. Criteria: Ambry Variant Classification Scheme 2023. Collection method: clinical testing. Allele origin: germline.
Comment: The p.M169I variant (also known as c.507G>A), located in coding exon 3 of the CDK4 gene, results from a G to A substitution at nucleotide position 507. The methionine at codon 169 is replaced by isoleucine, an amino acid with highly similar properties. This amino acid position is well conserved in available vertebrate species. In addition, the in silico prediction for this alteration is inconclusive. Based on the available evidence, the clinical significance of this variant remains unclear.